The following is an entry in ClinVar:

ClinVar aggregate classification (germline): Uncertain significance. Review status: criteria provided, multiple submitters, no conflicts (2 of 4 stars). 2 submissions from 2 submitters: Uncertain significance (2). Last evaluated 2024-12-20.

Conditions:
Inborn genetic diseases. Identifiers: MedGen C0950123, MeSH D030342.

Allele frequency attached by ClinVar (database versions not stated): gnomAD exomes below 0.00001; TOPMed 0.00002.
gnomAD v4.1: 3 of 1,609,370 alleles (0.00019%); highest among the groups gnomAD compares: Admixed American, 0.0033%; no homozygotes.

Submissions (2):

Ambry Genetics
Classification: Uncertain significance for Inborn genetic diseases. Last evaluated: 2024-12-20. Review status: criteria provided, single submitter. Criteria: Ambry Variant Classification Scheme 2023. Collection method: clinical testing. Allele origin: germline.

Labcorp Genetics (formerly Invitae), Labcorp
Classification: Uncertain significance. Last evaluated: 2023-11-01. Review status: criteria provided, single submitter. Criteria: Invitae Variant Classification Sherloc (09022015). Collection method: clinical testing. Allele origin: germline.
Comment: This sequence change replaces glutamic acid, which is acidic and polar, with alanine, which is neutral and non-polar, at codon 2484 of the LAMA1 protein (p.Glu2484Ala). This variant is present in population databases (no rsID available, gnomAD 0.006%). This variant has not been reported in the literature in individuals affected with LAMA1-related conditions. An algorithm developed to predict the effect of missense changes on protein structure and function (PolyPhen-2) suggests that this variant is likely to be disruptive. In summary, the available evidence is currently insufficient to determine the role of this variant in disease. Therefore, it has been classified as a Variant of Uncertain Significance.

NM_005559.4(LAMA1):c.7451A>C (p.Glu2484Ala)

Gene: LAMA1 (laminin subunit alpha 1; minus strand). Cytogenetic location: 18p11.31.
Variant type: single nucleotide variant.
Coding change: c.7451A>C on transcript NM_005559.4 (MANE Select); coding-DNA position 7451, A replaced by C.
Protein change: p.Glu2484Ala; replaces glutamic acid 2484 with alanine.
Molecular consequence: missense variant.
Genome position (GRCh38, 1-based): chr18:6,961,946, T>G on the plus strand (A>C on the coding strand, the complement: LAMA1 is on the minus strand). VCF-style: chr18-6961946-T-G. GRCh37 (hg19) VCF-style: chr18-6961945-T-G.
Other names: c.7451A>C (NM_005559.3); short protein forms E2484A.
Identifiers: ClinVar variation 2954861 (VCV002954861.2), dbSNP rs1307079193, ClinGen allele CA401846203.